The following is an entry in ClinVar:

ClinVar aggregate classification (germline): Uncertain significance. Review status: criteria provided, multiple submitters, no conflicts (2 of 4 stars). 2 submissions from 2 submitters: Uncertain significance (2). Last evaluated 2026-04-28.

Conditions:
PKHD1L1-related disorder. Also called: PKHD1L1-related condition.

Allele frequency attached by ClinVar (database versions not stated): ExAC 0.00001; gnomAD 0.00002; gnomAD exomes 0.00002; TOPMed 0.00002; ESP Exome Variant Server 0.00008.
gnomAD v4.1: 37 of 1,613,634 alleles (0.0023%); highest among the groups gnomAD compares: Non-Finnish European, 0.003%; no homozygotes.

Submissions (2):

PreventionGenetics, part of Exact Sciences
Classification: Uncertain significance for PKHD1L1-related condition. Last evaluated: 2026-04-28. Review status: criteria provided, single submitter. Criteria: ACMG Guidelines, 2015. Collection method: clinical testing. Allele origin: germline.
Comment: The PKHD1L1 c.2111C>G variant is predicted to result in the amino acid substitution p.Thr704Arg. To our knowledge, this variant has not been reported in the literature. This variant is reported in 0.0041% of alleles in individuals of African descent in gnomAD. At this time, the clinical significance of this variant is uncertain due to the absence of conclusive functional and genetic evidence.

Ambry Genetics
Classification: Uncertain significance. Last evaluated: 2022-11-07. Review status: criteria provided, single submitter. Criteria: Ambry Variant Classification Scheme 2023. Collection method: clinical testing. Allele origin: germline.

NM_177531.6(PKHD1L1):c.2111C>G (p.Thr704Arg)

Gene: PKHD1L1 (PKHD1 like 1; plus strand). Cytogenetic location: 8q23.1.
Variant type: single nucleotide variant.
Coding change: c.2111C>G on transcript NM_177531.6 (MANE Select); coding-DNA position 2111, C replaced by G.
Protein change: p.Thr704Arg; replaces threonine 704 with arginine.
Molecular consequence: missense variant.
Genome position (GRCh38, 1-based): chr8:109,412,290, C>G. VCF-style: chr8-109412290-C-G. GRCh37 (hg19) VCF-style: chr8-110424519-C-G.
Other names: short protein forms T704R.
Identifiers: ClinVar variation 3213798 (VCV003213798.2), dbSNP rs370961448, ClinGen allele CA4844326.